The following is an entry in ClinVar:

NM_019066.5(MAGEL2):c.1043C>T (p.Pro348Leu)

Gene: MAGEL2 (MAGE family member L2; minus strand). Cytogenetic location: 15q11.2.
Variant type: single nucleotide variant.
Coding change: c.1043C>T on transcript NM_019066.5 (MANE Select); coding-DNA position 1043, C replaced by T.
Protein change: p.Pro348Leu; replaces proline 348 with leucine.
Molecular consequence: missense variant.
Genome position (GRCh38, 1-based): chr15:23,646,700, G>A on the plus strand (C>T on the coding strand, the complement: MAGEL2 is on the minus strand). VCF-style: chr15-23646700-G-A. GRCh37 (hg19) VCF-style: chr15-23891847-G-A.
Other names: short protein forms P348L.
Identifiers: ClinVar variation 1303717 (VCV001303717.6), dbSNP rs1369943848, ClinGen allele CA391335294.
Genomic context (GRCh38, chr15:23,646,700, plus strand): 5'-CAGCCCGGGGGTGTGGCTAGCTGCGCTGGGGGTGCCTGCGGGCCCTGGGGAACCTGCGGA[G>A]GAGCCCTTATAACTTGAGACTGGATTTGCAGGATCAGAGGCTGAGCCTGCGGGGCCCAAG-3'
Protein context (NP_061939.3, residues 338-358): LQIQSQVIRA[Pro348Leu]PQVPQGPQAP

ClinVar aggregate classification (germline): Uncertain significance. Review status: criteria provided, multiple submitters, no conflicts (2 of 4 stars). 3 submissions from 3 submitters: Uncertain significance (3). Last evaluated 2026-03-04.

Conditions:
MAGEL2-related disorder. Also called: MAGEL2-related condition.

Allele frequency attached by ClinVar (database versions not stated): gnomAD 0.00002; gnomAD exomes 0.00002 and 0.00003; TOPMed 0.00002.

Submissions (3):

PreventionGenetics, part of Exact Sciences
Classification: Uncertain significance for MAGEL2-related condition. Last evaluated: 2026-03-04. Review status: criteria provided, single submitter. Criteria: ACMG Guidelines, 2015. Collection method: clinical testing. Allele origin: germline.
Comment: The MAGEL2 c.1043C>T variant is predicted to result in the amino acid substitution p.Pro348Leu. To our knowledge, this variant has not been reported in the literature. This variant is reported in 0.0038% of alleles in individuals of European (Non-Finnish) descent in gnomAD. At this time, the clinical significance of this variant is uncertain due to the absence of conclusive functional and genetic evidence.

Labcorp Genetics (formerly Invitae), Labcorp
Classification: Uncertain significance. Last evaluated: 2024-09-14. Review status: criteria provided, single submitter. Criteria: Invitae Variant Classification Sherloc (09022015). Collection method: clinical testing. Allele origin: germline.
Comment: This sequence change replaces proline, which is neutral and non-polar, with leucine, which is neutral and non-polar, at codon 348 of the MAGEL2 protein (p.Pro348Leu). This variant is present in population databases (no rsID available, gnomAD 0.004%). This variant has not been reported in the literature in individuals affected with MAGEL2-related conditions. ClinVar contains an entry for this variant (Variation ID: 1303717). Experimental studies and prediction algorithms are not available or were not evaluated, and the functional significance of this variant is currently unknown. In summary, the available evidence is currently insufficient to determine the role of this variant in disease. Therefore, it has been classified as a Variant of Uncertain Significance.

GeneDx
Classification: Uncertain significance. Last evaluated: 2019-09-17. Review status: criteria provided, single submitter. Criteria: GeneDx Variant Classification Process June 2021. Collection method: clinical testing. Allele origin: germline. Affected: yes.
Comment: In silico analysis, which includes protein predictors and evolutionary conservation, supports that this variant does not alter protein structure/function; Has not been previously published as pathogenic or benign to our knowledge